The following is an entry in ClinVar:

ClinVar aggregate classification (germline): Likely benign (1 of 4 stars; one submission).

gnomAD v4.1: 446 of 1,599,638 alleles (0.028%); highest among the groups gnomAD compares: Non-Finnish European, 0.037%; no homozygotes.

Submission:

CeGaT Center for Human Genetics Tuebingen
Classification: Likely benign. Last evaluated: 2026-01-01. Review status: criteria provided, single submitter. Criteria: CeGaT Center For Human Genetics Tuebingen Variant Classification Criteria Version 2. Collection method: clinical testing. Allele origin: germline. Affected: yes. Observed: 1 variant allele.
Comment: ADGRL1: BP4, BP7

NM_014921.5(ADGRL1):c.1677C>T (p.Ser559=)

Genes: ADGRL1 (adhesion G protein-coupled receptor L1; minus strand), ADGRL1-AS1 (ADGRL1 antisense RNA 1; plus strand). Cytogenetic location: 19p13.12.
Variant type: single nucleotide variant.
Coding change: c.1677C>T on transcript NM_014921.5 (MANE Select); coding-DNA position 1677, C replaced by T.
Protein change: p.Ser559=; no amino-acid change (serine 559 retained).
Molecular consequence: synonymous variant.
Genome position (GRCh38, 1-based): chr19:14,160,235, G>A on the plus strand (C>T on the coding strand, the complement: ADGRL1 is on the minus strand). VCF-style: chr19-14160235-G-A. GRCh37 (hg19) VCF-style: chr19-14271047-G-A.
Other names: c.1692C>T, p.Ser564= (NM_001008701.3).
Identifiers: ClinVar variation 4821072 (VCV004821072.4).